The following is an entry in ClinVar:

ClinVar aggregate classification (germline): Uncertain significance (1 of 4 stars; one submission).

Allele frequency attached by ClinVar (database versions not stated): TOPMed below 0.00001.

Submission:

Labcorp Genetics (formerly Invitae), Labcorp
Classification: Uncertain significance. Last evaluated: 2024-08-15. Review status: criteria provided, single submitter. Criteria: Invitae Variant Classification Sherloc (09022015). Collection method: clinical testing. Allele origin: germline.
Comment: This sequence change falls in intron 5 of the AP2M1 gene. It does not directly change the encoded amino acid sequence of the AP2M1 protein. It affects a nucleotide within the consensus splice site. This variant is not present in population databases (gnomAD no frequency). This variant has not been reported in the literature in individuals affected with AP2M1-related conditions. Variants that disrupt the consensus splice site are a relatively common cause of aberrant splicing (PMID: 17576681, 9536098). Algorithms developed to predict the effect of sequence changes on RNA splicing suggest that this variant is not likely to affect RNA splicing. In summary, the available evidence is currently insufficient to determine the role of this variant in disease. Therefore, it has been classified as a Variant of Uncertain Significance.

Literature cited by the submitters: PubMed 17576681; PubMed 9536098.

NM_004068.4(AP2M1):c.429+6C>T

Gene: AP2M1 (adaptor related protein complex 2 subunit mu 1; plus strand). Cytogenetic location: 3q27.1.
Variant type: single nucleotide variant.
Coding change: c.429+6C>T on transcript NM_004068.4 (MANE Select); 6 bases into the intron after coding-DNA position 429, C replaced by T.
Molecular consequence: intron variant.
Genome position (GRCh38, 1-based): chr3:184,180,656, C>T. VCF-style: chr3-184180656-C-T. GRCh37 (hg19) VCF-style: chr3-183898444-C-T.
Other names: c.504+6C>T (NM_001311198.2); c.424-193C>T (NM_001025205.2).
Identifiers: ClinVar variation 2985923 (VCV002985923.3), dbSNP rs1715244436, ClinGen allele CA1425902560.
Genomic context (GRCh38, chr3:184,180,656, plus strand): 5'-CCTCCCTTGCTGCTTCATGTGGGCACCTCGTTGGCCCTGCGGCCTCCAGCATCAGGTAAG[C>T]TCTTCCCTCAGCTTCCACCCTTGCAGCTTTGCTTTGTTTCTCCAGGCCCTGCCCTTTGGG-3'